The following is an entry in ClinVar:

ClinVar aggregate classification (germline): Uncertain significance. Review status: criteria provided, multiple submitters, no conflicts (2 of 4 stars). 2 submissions from 2 submitters: Uncertain significance (2). Last evaluated 2020-12-16.

Conditions:
Charcot-Marie-Tooth disease, type I (CMT1). Also called: Charcot-Marie-Tooth, Type 1; Charcot-Marie-Tooth disease type 1. Identifiers: Orphanet 65753, MedGen C0751036, MONDO:0019011.

Allele frequency attached by ClinVar (database versions not stated): gnomAD exomes below 0.00001; ExAC 0.00001; TOPMed 0.00002; ESP Exome Variant Server 0.00008.
gnomAD v4.1: 2 of 1,614,054 alleles (0.00012%); highest among the groups gnomAD compares: Admixed American, 0.0017%; no homozygotes.

Submissions (2):

ARUP Laboratories, Molecular Genetics and Genomics, ARUP Laboratories
Classification: Uncertain significance. Last evaluated: 2020-12-16. Review status: criteria provided, single submitter. Criteria: ARUP Molecular Germline Variant Investigation Process 2021. Collection method: clinical testing. Allele origin: germline.
Comment: The EGR2 c.166G>A; p.Gly56Arg variant (rs377204675), to our knowledge, is not reported in the medical literature or gene-specific databases. This variant is also absent from the Genome Aggregation Database, indicating it is not a common polymorphism. The glycine at codon 56 is moderately conserved, and computational analyses predict that this variant is neutral (REVEL: 0.150). However, due to limited information, the clinical significance of the p.Gly56Arg variant is uncertain at this time.

Labcorp Genetics (formerly Invitae), Labcorp
Classification: Uncertain significance for Charcot-Marie-Tooth disease, type I. Last evaluated: 2020-11-21. Review status: criteria provided, single submitter. Criteria: Invitae Variant Classification Sherloc (09022015). Collection method: clinical testing. Allele origin: germline.
Comment: In summary, the available evidence is currently insufficient to determine the role of this variant in disease. Therefore, it has been classified as a Variant of Uncertain Significance. Algorithms developed to predict the effect of missense changes on protein structure and function are either unavailable or do not agree on the potential impact of this missense change (SIFT: "Not Available"; PolyPhen-2: "Possibly Damaging"; Align-GVGD: "Not Available"). This variant has not been reported in the literature in individuals with EGR2-related conditions. This variant is present in population databases (rs377204675, ExAC 0.01%). This sequence change replaces glycine with arginine at codon 56 of the EGR2 protein (p.Gly56Arg). The glycine residue is moderately conserved and there is a moderate physicochemical difference between glycine and arginine.

NM_000399.5(EGR2):c.166G>A (p.Gly56Arg)

Gene: EGR2 (early growth response 2; minus strand). Cytogenetic location: 10q21.3.
Variant type: single nucleotide variant.
Coding change: c.166G>A on transcript NM_000399.5 (MANE Select); coding-DNA position 166, G replaced by A.
Protein change: p.Gly56Arg; replaces glycine 56 with arginine.
Molecular consequence: missense variant.
Genome position (GRCh38, 1-based): chr10:62,815,864, C>T on the plus strand (G>A on the coding strand, the complement: EGR2 is on the minus strand). VCF-style: chr10-62815864-C-T. GRCh37 (hg19) VCF-style: chr10-64575624-C-T.
Other names: c.166G>A, p.Gly56Arg (NM_001136177.3, NM_001136178.2); c.16G>A, p.Gly6Arg (NM_001136179.3, NM_001321037.2); short protein forms G56R, G6R.
Identifiers: ClinVar variation 1062899 (VCV001062899.14), dbSNP rs377204675, ClinGen allele CA5517331.